The following is an entry in ClinVar:

ClinVar aggregate classification (germline): Benign. Review status: criteria provided, single submitter (1 of 4 stars). 2 submissions from 2 submitters: Benign (1). 1 of the submissions does not count toward it. Last evaluated 2017-12-04.

Conditions:
DAAM1-related disorder. Also called: DAAM1-related condition.

Allele frequency attached by ClinVar (database versions not stated): gnomAD exomes 0.00144; ExAC 0.00167; 1000 Genomes Project 30x 0.00344; 1000 Genomes Project 0.00379; ESP Exome Variant Server 0.00531; gnomAD 0.00535 and 0.00571; TOPMed 0.00615.
gnomAD v4.1: 1,651 of 1,613,922 alleles (0.1%); highest among the groups gnomAD compares: African/African-American, 1.7%; 10 homozygotes.

Submissions (2):

Labcorp Genetics (formerly Invitae), Labcorp
Classification: Benign. Last evaluated: 2017-12-04. Review status: criteria provided, single submitter. Criteria: Invitae Variant Classification Sherloc (09022015). Collection method: clinical testing. Allele origin: germline.

PreventionGenetics, part of Exact Sciences
Classification: Benign for DAAM1-related condition. Last evaluated: 2020-01-28. Review status: no assertion criteria provided. Collection method: clinical testing. Allele origin: germline. Not counted in ClinVar's aggregate classification.
Comment: This variant is classified as benign based on ACMG/AMP sequence variant interpretation guidelines (Richards et al. 2015 PMID: 25741868, with internal and published modifications).

NM_001270520.2(DAAM1):c.1786C>T (p.Leu596=)

Gene: DAAM1 (dishevelled associated activator of morphogenesis 1; plus strand). Cytogenetic location: 14q23.1.
Variant type: single nucleotide variant.
Coding change: c.1786C>T on transcript NM_001270520.2 (MANE Select); coding-DNA position 1786, C replaced by T.
Protein change: p.Leu596=; no amino-acid change (leucine 596 retained).
Molecular consequence: synonymous variant.
Genome position (GRCh38, 1-based): chr14:59,331,434, C>T. VCF-style: chr14-59331434-C-T. GRCh37 (hg19) VCF-style: chr14-59798152-C-T.
Other names: c.1786C>T, p.Leu596= (NM_014992.2).
Identifiers: ClinVar variation 710221 (VCV000710221.5), dbSNP rs144149282, ClinGen allele CA7207593.
Genomic context (GRCh38, chr14:59,331,434, plus strand): 5'-CCTCCCCCAGGGCCTCCTCCCTTAGGGGCAATCATGCCACCTCCTGGTGCTCCAATGGGC[C>T]TAGCACTGAAGAAGAAAAGCATTCCTCAGCCCACAAATGCCCTGAAATCCTTCAACTGGT-3'
Protein context (NP_001257449.1, residues 586-606): IMPPPGAPMG[Leu596=]ALKKKSIPQP